The following is an entry in ClinVar:

NM_001378615.1(CC2D2A):c.1804C>T (p.His602Tyr)

Genes: CC2D2A (coiled-coil and C2 domain containing 2A; plus strand), FBXL5 (F-box and leucine rich repeat protein 5; minus strand). Cytogenetic location: 4p15.32.
Variant type: single nucleotide variant.
Coding change: c.1804C>T on transcript NM_001378615.1 (MANE Select); coding-DNA position 1804, C replaced by T.
Protein change: p.His602Tyr; replaces histidine 602 with tyrosine.
Molecular consequence: missense variant.
Genome position (GRCh38, 1-based): chr4:15,537,938, C>T. VCF-style: chr4-15537938-C-T. GRCh37 (hg19) VCF-style: chr4-15539561-C-T.
Other names: c.1804C>T, p.His602Tyr (NM_001080522.2); c.1657C>T, p.His553Tyr (NM_001378617.1); short protein forms H602Y, H553Y.
Identifiers: ClinVar variation 961339 (VCV000961339.10), dbSNP rs753430251, ClinGen allele CA2863770.

ClinVar aggregate classification (germline): Uncertain significance (1 of 4 stars; one submission).

Conditions:
Meckel-Gruber syndrome. Also called: Dysencephalia splachnocystica; DYSENCEPHALIA SPLANCHNOCYSTICA; GRUBER SYNDROME. Identifiers: Orphanet 564, MedGen C0265215, MONDO:0018921.
Joubert syndrome. Also called: Familial aplasia of the vermis; JOUBERT-BOLTSHAUSER SYNDROME. Identifiers: Orphanet 475, MedGen C5979921, MONDO:0018772.

Allele frequency attached by ClinVar (database versions not stated): gnomAD exomes below 0.00001; ExAC 0.00001.
gnomAD v4.1: 1 of 1,608,570 alleles (0.000062%); highest among the groups gnomAD compares: East Asian, 0.0022%; no homozygotes.

Submission:

Labcorp Genetics (formerly Invitae), Labcorp
Classification: Uncertain significance for Joubert syndrome; Meckel-Gruber syndrome. Last evaluated: 2019-09-03. Review status: criteria provided, single submitter. Criteria: Invitae Variant Classification Sherloc (09022015). Collection method: clinical testing. Allele origin: germline.
Comment: In summary, the available evidence is currently insufficient to determine the role of this variant in disease. Therefore, it has been classified as a Variant of Uncertain Significance. Algorithms developed to predict the effect of missense changes on protein structure and function are either unavailable or do not agree on the potential impact of this missense change (SIFT: "Deleterious"; PolyPhen-2: "Benign"; Align-GVGD: "Class C0"). This variant has not been reported in the literature in individuals with CC2D2A-related conditions. This variant is present in population databases (rs753430251, ExAC 0.02%). This sequence change replaces histidine with tyrosine at codon 602 of the CC2D2A protein (p.His602Tyr). The histidine residue is moderately conserved and there is a moderate physicochemical difference between histidine and tyrosine.